The following is an entry in ClinVar:

ClinVar aggregate classification (germline): Uncertain significance. Review status: criteria provided, multiple submitters, no conflicts (2 of 4 stars). 2 submissions from 2 submitters: Uncertain significance (2). Last evaluated 2025-12-08.

Conditions:
Inborn genetic diseases. Identifiers: MedGen C0950123, MeSH D030342.

Allele frequency attached by ClinVar (database versions not stated): gnomAD exomes below 0.00001; ExAC 0.00001; gnomAD 0.00001; TOPMed 0.00001.
gnomAD v4.1: 7 of 1,614,094 alleles (0.00043%); highest among the groups gnomAD compares: Non-Finnish European, 0.00059%; no homozygotes.

Submissions (2):

Ambry Genetics
Classification: Uncertain significance for Inborn genetic diseases. Last evaluated: 2025-12-08. Review status: criteria provided, single submitter. Criteria: Ambry Variant Classification Scheme 2023. Collection method: clinical testing. Allele origin: germline.

Labcorp Genetics (formerly Invitae), Labcorp
Classification: Uncertain significance. Last evaluated: 2025-08-11. Review status: criteria provided, single submitter. Criteria: Invitae Variant Classification Sherloc (09022015). Collection method: clinical testing. Allele origin: germline.
Comment: This sequence change replaces phenylalanine, which is neutral and non-polar, with tyrosine, which is neutral and polar, at codon 1897 of the MYH3 protein (p.Phe1897Tyr). This variant is present in population databases (rs758392734, gnomAD 0.0009%). This variant has not been reported in the literature in individuals affected with MYH3-related conditions. ClinVar contains an entry for this variant (Variation ID: 1926315). Invitae Evidence Modeling of protein sequence and biophysical properties (such as structural, functional, and spatial information, amino acid conservation, physicochemical variation, residue mobility, and thermodynamic stability) indicates that this missense variant is not expected to disrupt MYH3 protein function with a negative predictive value of 95%. In summary, the available evidence is currently insufficient to determine the role of this variant in disease. Therefore, it has been classified as a Variant of Uncertain Significance.

NM_002470.4(MYH3):c.5690T>A (p.Phe1897Tyr)

Gene: MYH3 (myosin heavy chain 3; minus strand). Cytogenetic location: 17p13.1.
Variant type: single nucleotide variant.
Coding change: c.5690T>A on transcript NM_002470.4 (MANE Select); coding-DNA position 5690, T replaced by A.
Protein change: p.Phe1897Tyr; replaces phenylalanine 1897 with tyrosine.
Molecular consequence: missense variant.
Genome position (GRCh38, 1-based): chr17:10,629,703, A>T on the plus strand (T>A on the coding strand, the complement: MYH3 is on the minus strand). VCF-style: chr17-10629703-A-T. GRCh37 (hg19) VCF-style: chr17-10533020-A-T.
Other names: c.5690T>A (NM_002470.3); short protein forms F1897Y.
Identifiers: ClinVar variation 1926315 (VCV001926315.6), dbSNP rs758392734, ClinGen allele CA8391826.